The following is an entry in ClinVar:

ClinVar aggregate classification (germline): Uncertain significance (1 of 4 stars; one submission).

Submission:

Labcorp Genetics (formerly Invitae), Labcorp
Classification: Uncertain significance. Last evaluated: 2023-12-01. Review status: criteria provided, single submitter. Criteria: Invitae Variant Classification Sherloc (09022015). Collection method: clinical testing. Allele origin: germline.
Comment: This sequence change replaces asparagine, which is neutral and polar, with serine, which is neutral and polar, at codon 112 of the PHIP protein (p.Asn112Ser). This variant is not present in population databases (gnomAD no frequency). This variant has not been reported in the literature in individuals affected with PHIP-related conditions. Advanced modeling of protein sequence and biophysical properties (such as structural, functional, and spatial information, amino acid conservation, physicochemical variation, residue mobility, and thermodynamic stability) performed at Invitae indicates that this missense variant is not expected to disrupt PHIP protein function with a negative predictive value of 80%. Algorithms developed to predict the effect of sequence changes on RNA splicing suggest that this variant may create or strengthen a splice site. In summary, the available evidence is currently insufficient to determine the role of this variant in disease. Therefore, it has been classified as a Variant of Uncertain Significance.

NM_017934.7(PHIP):c.335A>G (p.Asn112Ser)

Gene: PHIP (PHIP subunit of CUL4-Ring ligase complex; minus strand). Cytogenetic location: 6q14.1.
Variant type: single nucleotide variant.
Coding change: c.335A>G on transcript NM_017934.7 (MANE Select); coding-DNA position 335, A replaced by G.
Protein change: p.Asn112Ser; replaces asparagine 112 with serine.
Molecular consequence: missense variant.
Genome position (GRCh38, 1-based): chr6:79,060,673, T>C on the plus strand (A>G on the coding strand, the complement: PHIP is on the minus strand). VCF-style: chr6-79060673-T-C. GRCh37 (hg19) VCF-style: chr6-79770390-T-C.
Other names: short protein forms N112S.
Identifiers: ClinVar variation 2778356 (VCV002778356.3), dbSNP rs2482350140, ClinGen allele CA364651186.